The following is an entry in ClinVar:

NM_001130823.3(DNMT1):c.3936C>T (p.Phe1312=)

Gene: DNMT1 (DNA methyltransferase 1; minus strand). Cytogenetic location: 19p13.2.
Variant type: single nucleotide variant.
Coding change: c.3936C>T on transcript NM_001130823.3 (MANE Select); coding-DNA position 3936, C replaced by T.
Protein change: p.Phe1312=; no amino-acid change (phenylalanine 1312 retained).
Molecular consequence: synonymous variant.
Genome position (GRCh38, 1-based): chr19:10,139,688, G>A on the plus strand (C>T on the coding strand, the complement: DNMT1 is on the minus strand). VCF-style: chr19-10139688-G-A. GRCh37 (hg19) VCF-style: chr19-10250364-G-A.
Other names: c.3936C>T (LRG_362t1); c.3888C>T, p.Phe1296= (NM_001318730.2, NM_001379.4); c.3573C>T, p.Phe1191= (NM_001318731.2).
Identifiers: ClinVar variation 327891 (VCV000327891.15), dbSNP rs367637414, ClinGen allele CA9187645.

ClinVar aggregate classification (germline): Benign/Likely benign. Review status: criteria provided, multiple submitters, no conflicts (2 of 4 stars). 3 submissions from 3 submitters: Benign (2); Likely benign (1). Last evaluated 2026-06-10.

Conditions:
Hereditary sensory neuropathy-deafness-dementia syndrome. Also called: NEUROPATHY, HEREDITARY SENSORY, WITH HEARING LOSS AND DEMENTIA; HSN IE; Hereditary sensory neuropathy type IE; Hereditary Sensory and Autonomic Neuropathy Type 1E (HSAN1E). Identifiers: Orphanet 456318, MedGen C3279885, MONDO:0013584, OMIM 614116.

Allele frequency attached by ClinVar (database versions not stated): gnomAD exomes 0.00003 and 0.00008; gnomAD 0.00007; TOPMed 0.00011; ESP Exome Variant Server 0.00008; ExAC 0.00011.
gnomAD v4.1: 64 of 1,613,274 alleles (0.004%); highest among the groups gnomAD compares: East Asian, 0.018%; no homozygotes.

Submissions (3):

Women's Health and Genetics/Laboratory Corporation of America, LabCorp
Classification: Benign. Last evaluated: 2026-06-10. Review status: criteria provided, single submitter. Criteria: LabCorp Variant Classification Summary - May 2015. Collection method: clinical testing. Allele origin: germline.

Labcorp Genetics (formerly Invitae), Labcorp
Classification: Likely benign for Hereditary sensory neuropathy-deafness-dementia syndrome. Last evaluated: 2025-03-24. Review status: criteria provided, single submitter. Criteria: Invitae Variant Classification Sherloc (09022015). Collection method: clinical testing. Allele origin: germline.

Illumina Laboratory Services, Illumina
Classification: Benign for Hereditary sensory neuropathy-deafness-dementia syndrome. Last evaluated: 2018-01-12. Review status: criteria provided, single submitter. Criteria: ICSL Variant Classification Criteria 13 December 2019. Collection method: clinical testing. Allele origin: germline.
Comment: This variant was observed in the ICSL laboratory as part of a predisposition screen in an ostensibly healthy population. It had not been previously curated by ICSL or reported in the Human Gene Mutation Database (HGMD: prior to June 1st, 2018), and was therefore a candidate for classification through an automated scoring system. Utilizing variant allele frequency, disease prevalence and penetrance estimates, and inheritance mode, an automated score was calculated to assess if this variant is too frequent to cause the disease. Based on the score and internal cut-off values, a variant classified as benign is not then subjected to further curation. The score for this variant resulted in a classification of benign for this disease.